The following is an entry in ClinVar:

ClinVar aggregate classification (germline): Pathogenic (1 of 4 stars; one submission).

Conditions:
Hereditary cancer-predisposing syndrome. Also called: Hereditary neoplastic syndrome; Neoplastic Syndromes, Hereditary; Tumor predisposition; Hereditary Cancer Syndrome. Identifiers: Orphanet 140162, MedGen C0027672, MeSH D009386, MONDO:0015356.

Submission:

Ambry Genetics
Classification: Pathogenic for Hereditary cancer-predisposing syndrome. Last evaluated: 2025-07-01. Review status: criteria provided, single submitter. Criteria: Ambry Variant Classification Scheme 2023. Collection method: clinical testing. Allele origin: germline.
Comment: The c.2279_2280dupTT pathogenic mutation, located in coding exon 5 of the PALB2 gene, results from a duplication of TT at nucleotide position 2279, causing a translational frameshift with a predicted alternate stop codon (p.A761Lfs*4). This variant is considered to be rare based on population cohorts in the Genome Aggregation Database (gnomAD). This alteration is expected to result in loss of function by premature protein truncation or nonsense-mediated mRNA decay. As such, this alteration is interpreted as a disease-causing mutation.

NM_024675.4(PALB2):c.2279_2280dup (p.Ala761fs)

Gene: PALB2 (partner and localizer of BRCA2; minus strand). Cytogenetic location: 16p12.2.
Variant type: Duplication.
Coding change: c.2279_2280dup on transcript NM_024675.4 (MANE Select); coding-DNA positions 2279 to 2280, 2 bases duplicated (TT; older notation c.2279_2280dupTT).
Protein change: p.Ala761fs; shifts the reading frame from alanine 761.
Molecular consequence: frameshift variant. On other transcripts: intron variant (1).
Genome position (GRCh38, 1-based): chr16:23,629,874-23,629,875, AA duplicated on the plus strand (TT on the coding strand, the reverse complement: PALB2 is on the minus strand). VCF-style (leftmost placement, unchanged base first): chr16-23629873-C-CAA. GRCh37 (hg19) VCF-style: chr16-23641194-C-CAA.
Other names: c.2279_2280dup, p.Ala761fs (NM_001407301.1, NM_001407302.1, NM_001407297.1 and 3 more transcripts); c.1394_1395dup, p.Ala466fs (NM_001407304.1, NM_001407305.1, NM_001407306.1 and 5 more transcripts); c.2279_2280dupTT (NM_024675.3); c.2219_2220dup, p.Ala741fs (NM_001407296.1); c.491_492dup, p.Ala165fs (NM_001407312.1, NM_001407313.1); c.49-600_49-599dup (NM_001407314.1); short protein forms A741fs, A165fs, A466fs, A761fs.
Identifiers: ClinVar variation 4130316 (VCV004130316.1).